The following is an entry in ClinVar:

ClinVar aggregate classification (germline): Likely benign (0 of 4 stars; one submission).

Conditions:
CENPF-related disorder. Also called: CENPF-related condition.

Allele frequency attached by ClinVar (database versions not stated): gnomAD exomes below 0.00001.
gnomAD v4.1: 2 of 1,614,214 alleles (0.00012%); highest among the groups gnomAD compares: Non-Finnish European, 0.00017%; no homozygotes.

Submission:

PreventionGenetics, part of Exact Sciences
Classification: Likely benign for CENPF-related condition. Last evaluated: 2022-12-20. Review status: no assertion criteria provided. Collection method: clinical testing. Allele origin: germline.
Comment: This variant is classified as likely benign based on ACMG/AMP sequence variant interpretation guidelines (Richards et al. 2015 PMID: 25741868, with internal and published modifications).

NM_016343.4(CENPF):c.6138A>G (p.Ala2046=)

Gene: CENPF (centromere protein F; plus strand). Cytogenetic location: 1q41.
Variant type: single nucleotide variant.
Coding change: c.6138A>G on transcript NM_016343.4 (MANE Select); coding-DNA position 6138, A replaced by G.
Protein change: p.Ala2046=; no amino-acid change (alanine 2046 retained).
Molecular consequence: synonymous variant.
Genome position (GRCh38, 1-based): chr1:214,645,708, A>G. VCF-style: chr1-214645708-A-G. GRCh37 (hg19) VCF-style: chr1-214819051-A-G.
Identifiers: ClinVar variation 3048674 (VCV003048674.2), dbSNP rs2528416456, ClinGen allele CA423428872.